The following is an entry in ClinVar:

NM_005422.4(TECTA):c.355C>A (p.Pro119Thr)

Genes: TBCEL-TECTA (TBCEL-TECTA readthrough; plus strand), TECTA (tectorin alpha; plus strand). Cytogenetic location: 11q23.3.
Variant type: single nucleotide variant.
Coding change: c.355C>A on transcript NM_005422.4 (MANE Select); coding-DNA position 355, C replaced by A.
Protein change: p.Pro119Thr; replaces proline 119 with threonine.
Molecular consequence: missense variant.
Genome position (GRCh38, 1-based): chr11:121,109,367, C>A. VCF-style: chr11-121109367-C-A. GRCh37 (hg19) VCF-style: chr11-120980076-C-A.
Other names: c.1312C>A, p.Pro438Thr (NM_001378761.1); short protein forms P119T, P438T.
Identifiers: ClinVar variation 1307773 (VCV001307773.13), dbSNP rs376581881, ClinGen allele CA6326481.

ClinVar aggregate classification (germline): Conflicting classifications of pathogenicity. Review status: criteria provided, conflicting classifications (1 of 4 stars). 5 submissions from 5 submitters: Uncertain significance (4); Likely benign (1). Last evaluated 2026-08-08.

Conditions:
Inborn genetic diseases. Identifiers: MedGen C0950123, MeSH D030342.
TECTA-related disorder. Also called: TECTA-related condition.

Allele frequency attached by ClinVar (database versions not stated): ESP Exome Variant Server 0.00008.
gnomAD v4.1: 16 of 1,614,024 alleles (0.00099%); highest among the groups gnomAD compares: African/African-American, 0.004%; no homozygotes.

Submissions (5):

PreventionGenetics, part of Exact Sciences
Classification: Uncertain significance for TECTA-related condition. Last evaluated: 2026-08-08. Review status: criteria provided, single submitter. Criteria: ACMG Guidelines, 2015. Collection method: clinical testing. Allele origin: germline.
Comment: The TECTA c.355C>A variant is predicted to result in the amino acid substitution p.Pro119Thr. To our knowledge, this variant has not been reported in the literature. This variant is reported in 0.012% of alleles in individuals of African descent in gnomAD. At this time, the clinical significance of this variant is uncertain due to the absence of conclusive functional and genetic evidence.

Labcorp Genetics (formerly Invitae), Labcorp
Classification: Likely benign. Last evaluated: 2025-01-06. Review status: criteria provided, single submitter. Criteria: Invitae Variant Classification Sherloc (09022015). Collection method: clinical testing. Allele origin: germline.

Blueprint Genetics
Classification: Uncertain significance. Last evaluated: 2024-09-27. Review status: criteria provided, single submitter. Criteria: ACMG Guidelines, 2015. Collection method: clinical testing. Allele origin: germline.

Ambry Genetics
Classification: Uncertain significance for Inborn genetic diseases. Last evaluated: 2024-05-29. Review status: criteria provided, single submitter. Criteria: Ambry Variant Classification Scheme 2023. Collection method: clinical testing. Allele origin: germline.

GeneDx
Classification: Uncertain significance. Last evaluated: 2024-05-21. Review status: criteria provided, single submitter. Criteria: GeneDx Variant Classification Process June 2021. Collection method: clinical testing. Allele origin: germline. Affected: yes.
Comment: In silico analysis indicates that this missense variant does not alter protein structure/function; Has not been previously published as pathogenic or benign to our knowledge; This variant is associated with the following publications: (PMID: 21520338, 31554319, 9590290)